The following is an entry in ClinVar:

NM_024675.4(PALB2):c.2481A>G (p.Thr827=)

Gene: PALB2 (partner and localizer of BRCA2; minus strand). Cytogenetic location: 16p12.2.
Variant type: single nucleotide variant.
Coding change: c.2481A>G on transcript NM_024675.4 (MANE Select); coding-DNA position 2481, A replaced by G.
Protein change: p.Thr827=; no amino-acid change (threonine 827 retained).
Molecular consequence: synonymous variant. On other transcripts: intron variant (1).
Genome position (GRCh38, 1-based): chr16:23,629,673, T>C on the plus strand (A>G on the coding strand, the complement: PALB2 is on the minus strand). VCF-style: chr16-23629673-T-C. GRCh37 (hg19) VCF-style: chr16-23640994-T-C.
Other names: c.2421A>G, p.Thr807= (NM_001407296.1); c.2481A>G, p.Thr827= (NM_001407297.1, NM_001407298.1, NM_001407299.1 and 3 more transcripts); c.1596A>G, p.Thr532= (NM_001407304.1, NM_001407305.1, NM_001407306.1 and 5 more transcripts); c.693A>G, p.Thr231= (NM_001407312.1, NM_001407313.1); c.49-398A>G (NM_001407314.1).
Identifiers: ClinVar variation 3903825 (VCV003903825.2).
Genomic context (GRCh38, chr16:23,629,673, plus strand): 5'-AAATTTCACAGAGGAAATGGATTGTACCTGTTCGACGGAATGTTTATGCAGCTCCTGGCA[T>C]GTGTTTCTACAGAGCTGATTTTCTTTAAAAGTGAATGACTCAATGGGTGGAGGTGTTCCT-3'
Protein context (NP_078951.2, residues 817-837): TFKENQLCRN[Thr827=]CQELHKHSVE

ClinVar aggregate classification (germline): Benign/Likely benign. Review status: criteria provided, multiple submitters, no conflicts (2 of 4 stars). 2 submissions from 2 submitters: Benign (1); Likely benign (1). Last evaluated 2025-11-12.

Conditions:
Hereditary cancer-predisposing syndrome. Also called: Hereditary Cancer Syndrome; Hereditary neoplastic syndrome; Neoplastic Syndromes, Hereditary; Tumor predisposition. Identifiers: Orphanet 140162, MedGen C0027672, MeSH D009386, MONDO:0015356.
Familial cancer of breast. Also called: Hereditary breast cancer; hereditary breast carcinoma; BREAST CANCER, FAMILIAL. Identifiers: Orphanet 227535, MedGen C0346153, MONDO:0016419, OMIM 114480. Disease mechanism: loss of function.

Submissions (2):

Ambry Genetics
Classification: Likely benign for Hereditary cancer-predisposing syndrome. Last evaluated: 2025-11-12. Review status: criteria provided, single submitter. Criteria: Ambry Variant Classification Scheme 2023. Collection method: clinical testing. Allele origin: germline.

Myriad Genetics, Inc.
Classification: Benign for Familial cancer of breast. Last evaluated: 2025-01-16. Review status: criteria provided, single submitter. Criteria: Myriad Autosomal Dominant, Autosomal Recessive and X-Linked Classification Criteria (2023). Collection method: clinical testing. Allele origin: unknown.
Comment: This variant is considered benign. This variant is a silent/synonymous amino acid change and it is not expected to impact splicing.